The following is an entry in ClinVar:

ClinVar aggregate classification (germline): Uncertain significance (1 of 4 stars; one submission).

Conditions:
Hereditary cancer-predisposing syndrome. Also called: Neoplastic Syndromes, Hereditary; Tumor predisposition; Hereditary neoplastic syndrome; Hereditary Cancer Syndrome. Identifiers: Orphanet 140162, MedGen C0027672, MeSH D009386, MONDO:0015356.

Submission:

Ambry Genetics
Classification: Uncertain significance for Hereditary cancer-predisposing syndrome. Last evaluated: 2026-09-14. Review status: criteria provided, single submitter. Criteria: Ambry Variant Classification Scheme 2023. Collection method: clinical testing. Allele origin: germline.
Comment: The c.3147_3148delGCinsAA variant (also known as p.R1050S), located in coding exon 25 of the POLD1 gene, results from an in-frame deletion of GC and insertion of AA at nucleotide positions 3147 to 3148. This results in the substitution of the arginine residue for a serine residue at codon 1050, an amino acid with dissimilar properties. This amino acid position is not well conserved in available vertebrate species. In addition, the in silico prediction for this variant is inconclusive (Choi Y et al. PLoS ONE. 2012; 7(10):e46688). Based on the available evidence, the clinical significance of this variant remains unclear.

NM_002691.4(POLD1):c.3147_3148delinsAA (p.Arg1050Ser)

Gene: POLD1 (DNA polymerase delta 1, catalytic subunit; plus strand). Cytogenetic location: 19q13.33.
Variant type: Indel.
Coding change: c.3147_3148delinsAA on transcript NM_002691.4 (MANE Select); coding-DNA positions 3147 to 3148, GC replaced by AA.
Protein change: p.Arg1050Ser; replaces arginine 1050 with serine.
Molecular consequence: missense variant. On other transcripts: non-coding transcript variant (1).
Genome position (GRCh38, 1-based): chr19:50,417,198-50,417,199, GC replaced by AA. VCF-style: chr19-50417198-GC-AA. GRCh37 (hg19) VCF-style: chr19-50920455-GC-AA.
Other names: c.3147_3148delinsAA, p.Arg1050Ser (NM_001438212.1, NM_001438213.1, NM_001256849.1); c.3225_3226delinsAA, p.Arg1076Ser (NM_001308632.1); c.3075_3076delinsAA, p.Arg1026Ser (NM_001438210.1, NM_001438211.1); short protein forms R1026S, R1076S, R1050S.
Identifiers: ClinVar variation 5027015 (VCV005027015.1).